The following is an entry in ClinVar:

NM_006383.4(CIB2):c.289G>A (p.Val97Met)

Gene: CIB2 (calcium and integrin binding family member 2; minus strand). Cytogenetic location: 15q25.1.
Variant type: single nucleotide variant.
Coding change: c.289G>A on transcript NM_006383.4 (MANE Select); coding-DNA position 289, G replaced by A.
Protein change: p.Val97Met; replaces valine 97 with methionine.
Molecular consequence: missense variant. On other transcripts: non-coding transcript variant (1).
Genome position (GRCh38, 1-based): chr15:78,109,292, C>T on the plus strand (G>A on the coding strand, the complement: CIB2 is on the minus strand). VCF-style: chr15-78109292-C-T. GRCh37 (hg19) VCF-style: chr15-78401634-C-T.
Other names: c.160G>A, p.Val54Met (NM_001271888.2); c.142G>A, p.Val48Met (NM_001271889.2); c.304G>A, p.Val102Met (NM_001301224.2); c.289G>A (NM_006383.2); short protein forms V48M, V54M, V97M, V102M.
Identifiers: ClinVar variation 850355 (VCV000850355.10), dbSNP rs141638703, ClinGen allele CA7680246.
Genomic context (GRCh38, chr15:78,109,292, plus strand): 5'-TACCATAGATCTTGAAGGCATAGTTTGCCTTGAGCTCTCGGGGAGCCGACTCGCAGAGCA[C>T]GGAAAACATGTCCACAAAGTCGTTGAAAGTGAGGTTCCCCTCACCATCCTCGGAAAACGC-3'
Protein context (NP_006374.1, residues 87-107): TFNDFVDMFS[Val97Met]LCESAPRELK

ClinVar aggregate classification (germline): Uncertain significance. Review status: criteria provided, multiple submitters, no conflicts (2 of 4 stars). 3 submissions from 3 submitters: Uncertain significance (3). Last evaluated 2025-01-13.

Conditions:
Inborn genetic diseases. Identifiers: MedGen C0950123, MeSH D030342.

Allele frequency attached by ClinVar (database versions not stated): ESP Exome Variant Server 0.00008; gnomAD 0.00008; ExAC 0.00003; gnomAD exomes 0.00003 and 0.00004; TOPMed 0.00003.

Submissions (3):

Labcorp Genetics (formerly Invitae), Labcorp
Classification: Uncertain significance. Last evaluated: 2025-01-13. Review status: criteria provided, single submitter. Criteria: Invitae Variant Classification Sherloc (09022015). Collection method: clinical testing. Allele origin: germline.
Comment: This sequence change replaces valine, which is neutral and non-polar, with methionine, which is neutral and non-polar, at codon 97 of the CIB2 protein (p.Val97Met). This variant is present in population databases (rs141638703, gnomAD 0.01%). This variant has not been reported in the literature in individuals affected with CIB2-related conditions. ClinVar contains an entry for this variant (Variation ID: 850355). An algorithm developed to predict the effect of missense changes on protein structure and function (PolyPhen-2) suggests that this variant is likely to be disruptive. In summary, the available evidence is currently insufficient to determine the role of this variant in disease. Therefore, it has been classified as a Variant of Uncertain Significance.

GeneDx
Classification: Uncertain significance. Last evaluated: 2024-11-07. Review status: criteria provided, single submitter. Criteria: GeneDx Variant Classification Process June 2021. Collection method: clinical testing. Allele origin: germline. Affected: yes.
Comment: In silico analysis supports that this missense variant has a deleterious effect on protein structure/function; Has not been previously published as pathogenic or benign to our knowledge

Ambry Genetics
Classification: Uncertain significance for Inborn genetic diseases. Last evaluated: 2023-09-20. Review status: criteria provided, single submitter. Criteria: Ambry Variant Classification Scheme 2023. Collection method: clinical testing. Allele origin: germline.